The following is an entry in ClinVar:

ClinVar aggregate classification (germline): Uncertain significance (1 of 4 stars; one submission).

gnomAD v4.1: 1 of 1,614,184 alleles (0.000062%); highest among the groups gnomAD compares: Admixed American, 0.0017%; no homozygotes.

Submission:

Labcorp Genetics (formerly Invitae), Labcorp
Classification: Uncertain significance. Last evaluated: 2023-05-03. Review status: criteria provided, single submitter. Criteria: Invitae Variant Classification Sherloc (09022015). Collection method: clinical testing. Allele origin: germline.
Comment: This variant has not been reported in the literature in individuals affected with FAM186B-related conditions. This variant is not present in population databases (gnomAD no frequency). This sequence change creates a premature translational stop signal (p.Glu55*) in the FAM186B gene. It is expected to result in an absent or disrupted protein product. However, the current clinical and genetic evidence is not sufficient to establish whether loss-of-function variants in FAM186B cause disease. In summary, the available evidence is currently insufficient to determine the role of this variant in disease. Therefore, it has been classified as a Variant of Uncertain Significance.

NM_032130.3(FAM186B):c.163G>T (p.Glu55Ter)

Gene: FAM186B (family with sequence similarity 186 member B; minus strand). Cytogenetic location: 12q13.12.
Variant type: single nucleotide variant.
Coding change: c.163G>T on transcript NM_032130.3 (MANE Select); coding-DNA position 163, G replaced by T.
Protein change: p.Glu55Ter; replaces glutamic acid 55 with a stop codon.
Molecular consequence: nonsense. On other transcripts: non-coding transcript variant (1).
Genome position (GRCh38, 1-based): chr12:49,604,472, C>A on the plus strand (G>T on the coding strand, the complement: FAM186B is on the minus strand). VCF-style: chr12-49604472-C-A. GRCh37 (hg19) VCF-style: chr12-49998255-C-A.
Other names: short protein forms E55*.
Identifiers: ClinVar variation 2797029 (VCV002797029.3), dbSNP rs2547705207, ClinGen allele CA384733213.